The following is an entry in ClinVar:

NM_020831.6(MRTFA):c.1652C>T (p.Pro551Leu)

Gene: MRTFA (myocardin related transcription factor A; minus strand). Cytogenetic location: 22q13.1.
Variant type: single nucleotide variant.
Coding change: c.1652C>T on transcript NM_020831.6 (MANE Select); coding-DNA position 1652, C replaced by T.
Protein change: p.Pro551Leu; replaces proline 551 with leucine.
Molecular consequence: missense variant.
Genome position (GRCh38, 1-based): chr22:40,419,086, G>A on the plus strand (C>T on the coding strand, the complement: MRTFA is on the minus strand). VCF-style: chr22-40419086-G-A. GRCh37 (hg19) VCF-style: chr22-40815090-G-A.
Other names: c.1352C>T, p.Pro451Leu (NM_001282660.2); c.1502C>T, p.Pro501Leu (NM_001282661.3); c.1652C>T, p.Pro551Leu (NM_001282662.3); c.1457C>T, p.Pro486Leu (NM_001318139.2); short protein forms P551L, P451L, P501L, P486L.
Identifiers: ClinVar variation 2063516 (VCV002063516.4), dbSNP rs2517817020, ClinGen allele CA411661362.

ClinVar aggregate classification (germline): Uncertain significance (1 of 4 stars; one submission).

Allele frequency attached by ClinVar (database versions not stated): gnomAD exomes below 0.00001.
gnomAD v4.1: 3 of 1,603,970 alleles (0.00019%); highest among the groups gnomAD compares: Non-Finnish European, 0.00026%; no homozygotes.

Submission:

Labcorp Genetics (formerly Invitae), Labcorp
Classification: Uncertain significance. Last evaluated: 2022-03-04. Review status: criteria provided, single submitter. Criteria: Invitae Variant Classification Sherloc (09022015). Collection method: clinical testing. Allele origin: germline.
Comment: This sequence change replaces proline, which is neutral and non-polar, with leucine, which is neutral and non-polar, at codon 451 of the MKL1 protein (p.Pro451Leu). This variant is not present in population databases (gnomAD no frequency). This variant has not been reported in the literature in individuals affected with MKL1-related conditions. Algorithms developed to predict the effect of missense changes on protein structure and function are either unavailable or do not agree on the potential impact of this missense change (SIFT: "Deleterious"; PolyPhen-2: "Benign"; Align-GVGD: "Class C65"). In summary, the available evidence is currently insufficient to determine the role of this variant in disease. Therefore, it has been classified as a Variant of Uncertain Significance.